The following is an entry in ClinVar:

NM_013328.4(PYCR2):c.620C>T (p.Ala207Val)

Gene: PYCR2 (pyrroline-5-carboxylate reductase 2; minus strand). Cytogenetic location: 1q42.12.
Variant type: single nucleotide variant.
Coding change: c.620C>T on transcript NM_013328.4 (MANE Select); coding-DNA position 620, C replaced by T.
Protein change: p.Ala207Val; replaces alanine 207 with valine.
Molecular consequence: missense variant.
Genome position (GRCh38, 1-based): chr1:225,921,565, G>A on the plus strand (C>T on the coding strand, the complement: PYCR2 is on the minus strand). VCF-style: chr1-225921565-G-A. GRCh37 (hg19) VCF-style: chr1-226109265-G-A.
Other names: c.398C>T, p.Ala133Val (NM_001271681.2); short protein forms A207V, A133V.
Identifiers: ClinVar variation 1944610 (VCV001944610.6), dbSNP rs1671839863, ClinGen allele CA345005268.

ClinVar aggregate classification (germline): Conflicting classifications of pathogenicity. Review status: criteria provided, conflicting classifications (1 of 4 stars). 2 submissions from 2 submitters: Uncertain significance (1); Likely benign (1). Last evaluated 2023-08-04.

Allele frequency attached by ClinVar (database versions not stated): gnomAD exomes below 0.00001; TOPMed below 0.00001.
gnomAD v4.1: 1 of 1,614,164 alleles (0.000062%); highest among the groups gnomAD compares: Admixed American, 0.0017%; no homozygotes.

Submissions (2):

Labcorp Genetics (formerly Invitae), Labcorp
Classification: Uncertain significance. Last evaluated: 2023-08-04. Review status: criteria provided, single submitter. Criteria: Invitae Variant Classification Sherloc (09022015). Collection method: clinical testing. Allele origin: germline.
Comment: This sequence change replaces alanine, which is neutral and non-polar, with valine, which is neutral and non-polar, at codon 207 of the PYCR2 protein (p.Ala207Val). This variant is not present in population databases (gnomAD no frequency). This variant has not been reported in the literature in individuals affected with PYCR2-related conditions. ClinVar contains an entry for this variant (Variation ID: 1944610). Advanced modeling of protein sequence and biophysical properties (such as structural, functional, and spatial information, amino acid conservation, physicochemical variation, residue mobility, and thermodynamic stability) performed at Invitae indicates that this missense variant is not expected to disrupt PYCR2 protein function. In summary, the available evidence is currently insufficient to determine the role of this variant in disease. Therefore, it has been classified as a Variant of Uncertain Significance.

Blueprint Genetics
Classification: Likely benign. Last evaluated: 2021-11-26. Review status: criteria provided, single submitter. Criteria: ACMG Guidelines, 2015. Collection method: clinical testing. Allele origin: germline.